The following is an entry in ClinVar:

NM_016284.5(CNOT1):c.5529T>A (p.Asp1843Glu)

Gene: CNOT1 (CCR4-NOT transcription complex subunit 1; minus strand). Cytogenetic location: 16q21.
Variant type: single nucleotide variant.
Coding change: c.5529T>A on transcript NM_016284.5 (MANE Select); coding-DNA position 5529, T replaced by A.
Protein change: p.Asp1843Glu; replaces aspartic acid 1843 with glutamic acid.
Molecular consequence: missense variant. On other transcripts: non-coding transcript variant (1).
Genome position (GRCh38, 1-based): chr16:58,537,106, A>T on the plus strand (T>A on the coding strand, the complement: CNOT1 is on the minus strand). VCF-style: chr16-58537106-A-T. GRCh37 (hg19) VCF-style: chr16-58571010-A-T.
Other names: c.5514T>A, p.Asp1838Glu (NM_001265612.2); short protein forms D1838E, D1843E.
Identifiers: ClinVar variation 1675282 (VCV001675282.3), dbSNP rs1037660513, ClinGen allele CA281677515.

ClinVar aggregate classification (germline): Uncertain significance (1 of 4 stars; one submission).

Allele frequency attached by ClinVar (database versions not stated): gnomAD 0.00001; TOPMed 0.00001.
gnomAD v4.1: 2 of 1,614,088 alleles (0.00012%); highest among the groups gnomAD compares: Non-Finnish European, 0.00017%; no homozygotes.

Submission:

GeneDx
Classification: Uncertain significance. Last evaluated: 2022-06-23. Review status: criteria provided, single submitter. Criteria: GeneDx Variant Classification Process June 2021. Collection method: clinical testing. Allele origin: germline. Affected: yes.
Comment: Not observed at significant frequency in large population cohorts (gnomAD); In silico analysis supports that this missense variant has a deleterious effect on protein structure/function; Has not been previously published as pathogenic or benign to our knowledge